The following is an entry in ClinVar:

NM_006231.4(POLE):c.1082C>G (p.Thr361Ser)

Gene: POLE (DNA polymerase epsilon, catalytic subunit; minus strand). Cytogenetic location: 12q24.33.
Variant type: single nucleotide variant.
Coding change: c.1082C>G on transcript NM_006231.4 (MANE Select); coding-DNA position 1082, C replaced by G.
Protein change: p.Thr361Ser; replaces threonine 361 with serine.
Molecular consequence: missense variant.
Genome position (GRCh38, 1-based): chr12:132,675,759, G>C on the plus strand (C>G on the coding strand, the complement: POLE is on the minus strand). VCF-style: chr12-132675759-G-C. GRCh37 (hg19) VCF-style: chr12-133252345-G-C.
Other names: short protein forms T361S.
Identifiers: ClinVar variation 5027117 (VCV005027117.1).

ClinVar aggregate classification (germline): Uncertain significance (1 of 4 stars; one submission).

Conditions:
Hereditary cancer-predisposing syndrome. Also called: Neoplastic Syndromes, Hereditary; Tumor predisposition; Hereditary neoplastic syndrome; Hereditary Cancer Syndrome. Identifiers: Orphanet 140162, MedGen C0027672, MeSH D009386, MONDO:0015356.

Submission:

Ambry Genetics
Classification: Uncertain significance for Hereditary cancer-predisposing syndrome. Last evaluated: 2026-08-18. Review status: criteria provided, single submitter. Criteria: Ambry Variant Classification Scheme 2023. Collection method: clinical testing. Allele origin: germline.
Comment: The p.T361S variant (also known as c.1082C>G), located in coding exon 11 of the POLE gene, results from a C to G substitution at nucleotide position 1082. The threonine at codon 361 is replaced by serine, an amino acid with similar properties. This amino acid position is conserved. In addition, the in silico prediction for this alteration is inconclusive. Based on the available evidence, the clinical significance of this variant remains unclear.